The following is an entry in ClinVar:

ClinVar aggregate classification (germline): Uncertain significance (1 of 4 stars; one submission).

Conditions:
Baller-Gerold syndrome (BGS). Also called: CRANIOSYNOSTOSIS WITH RADIAL DEFECTS. Identifiers: Orphanet 1225, MedGen C0265308, MONDO:0009039, OMIM 218600.

Submission:

Labcorp Genetics (formerly Invitae), Labcorp
Classification: Uncertain significance for Baller-Gerold syndrome. Last evaluated: 2022-06-13. Review status: criteria provided, single submitter. Criteria: Invitae Variant Classification Sherloc (09022015). Collection method: clinical testing. Allele origin: germline.
Comment: This sequence change falls in intron 20 of the RECQL4 gene. It does not directly change the encoded amino acid sequence of the RECQL4 protein. It affects a nucleotide within the consensus splice site. This variant is not present in population databases (gnomAD no frequency). This variant has not been reported in the literature in individuals affected with RECQL4-related conditions. Variants that disrupt the consensus splice site are a relatively common cause of aberrant splicing (PMID: 17576681, 9536098). Experimental studies and prediction algorithms are not available or were not evaluated, and the effect of this variant on mRNA splicing is currently unknown. In summary, the available evidence is currently insufficient to determine the role of this variant in disease. Therefore, it has been classified as a Variant of Uncertain Significance.

Literature cited by the submitters: PubMed 17576681; PubMed 9536098.

NM_004260.4(RECQL4):c.3503-3T>C

Gene: RECQL4 (RecQ like helicase 4; minus strand). Cytogenetic location: 8q24.3.
Variant type: single nucleotide variant.
Coding change: c.3503-3T>C on transcript NM_004260.4 (MANE Select); 3 bases into the intron before coding-DNA position 3503, T replaced by C.
Molecular consequence: intron variant.
Genome position (GRCh38, 1-based): chr8:144,511,558, A>G on the plus strand (T>C on the coding strand, the complement: RECQL4 is on the minus strand). VCF-style: chr8-144511558-A-G. GRCh37 (hg19) VCF-style: chr8-145736941-A-G.
Identifiers: ClinVar variation 2056582 (VCV002056582.4), dbSNP rs1174432737, ClinGen allele CA2580078761.